The following is an entry in ClinVar:

NM_003072.5(SMARCA4):c.2067G>C (p.Lys689Asn)

Gene: SMARCA4 (SWI/SNF related BAF chromatin remodeling complex subunit ATPase 4; plus strand). Cytogenetic location: 19p13.2.
Variant type: single nucleotide variant.
Coding change: c.2067G>C on transcript NM_003072.5 (MANE Select); coding-DNA position 2067, G replaced by C.
Protein change: p.Lys689Asn; replaces lysine 689 with asparagine.
Molecular consequence: missense variant. On other transcripts: non-coding transcript variant (1).
Genome position (GRCh38, 1-based): chr19:11,007,967, G>C. VCF-style: chr19-11007967-G-C. GRCh37 (hg19) VCF-style: chr19-11118643-G-C.
Other names: c.2067G>C, p.Lys689Asn (NM_001128844.3, NM_001128845.2, NM_001128846.2 and 6 more transcripts); short protein forms K689N.
Identifiers: ClinVar variation 3636861 (VCV003636861.2).

ClinVar aggregate classification (germline): Uncertain significance (1 of 4 stars; one submission).

Conditions:
Rhabdoid tumor predisposition syndrome 2 (RTPS2). Identifiers: Orphanet 231108, Orphanet 69077, MedGen C2750074, MONDO:0013224, OMIM 613325.

Submission:

Labcorp Genetics (formerly Invitae), Labcorp
Classification: Uncertain significance for Rhabdoid tumor predisposition syndrome 2. Last evaluated: 2024-08-28. Review status: criteria provided, single submitter. Criteria: Invitae Variant Classification Sherloc (09022015). Collection method: clinical testing. Allele origin: germline.
Comment: This sequence change replaces lysine, which is basic and polar, with asparagine, which is neutral and polar, at codon 689 of the SMARCA4 protein (p.Lys689Asn). This variant is not present in population databases (gnomAD no frequency). This variant has not been reported in the literature in individuals affected with SMARCA4-related conditions. Invitae Evidence Modeling of protein sequence and biophysical properties (such as structural, functional, and spatial information, amino acid conservation, physicochemical variation, residue mobility, and thermodynamic stability) indicates that this missense variant is not expected to disrupt SMARCA4 protein function with a negative predictive value of 95%. In summary, the available evidence is currently insufficient to determine the role of this variant in disease. Therefore, it has been classified as a Variant of Uncertain Significance.